The following is an entry in ClinVar:

ClinVar aggregate classification (germline): Pathogenic (1 of 4 stars; one submission).

Submission:

Labcorp Genetics (formerly Invitae), Labcorp
Classification: Pathogenic. Last evaluated: 2023-09-15. Review status: criteria provided, single submitter. Criteria: Invitae Variant Classification Sherloc (09022015). Collection method: clinical testing. Allele origin: germline.
Comment: For these reasons, this variant has been classified as Pathogenic. This variant has not been reported in the literature in individuals affected with USH2A-related conditions. This variant is not present in population databases (gnomAD no frequency). This sequence change creates a premature translational stop signal (p.Thr1539Lysfs*19) in the USH2A gene. It is expected to result in an absent or disrupted protein product. Loss-of-function variants in USH2A are known to be pathogenic (PMID: 10729113, 10909849, 20507924, 25649381).

Literature cited by the submitters: PubMed 10729113; PubMed 10909849; PubMed 20507924; PubMed 25649381.

NM_206933.4(USH2A):c.4615_4616insAA (p.Thr1539fs)

Gene: USH2A (usherin; minus strand). Cytogenetic location: 1q41.
Variant type: Insertion.
Coding change: c.4615_4616insAA on transcript NM_206933.4 (MANE Select); coding-DNA positions 4615 to 4616, AA inserted.
Protein change: p.Thr1539fs; shifts the reading frame from threonine 1539.
Molecular consequence: frameshift variant.
Genome position: GRCh38 VCF-style: chr1-216175263-G-GTT. GRCh37 (hg19) VCF-style: chr1-216348605-G-GTT.
Other names: c.4615_4616insAA, p.Thr1539fs (NM_007123.6); short protein forms T1539fs.
Identifiers: ClinVar variation 2761008 (VCV002761008.3), dbSNP rs2527987101, ClinGen allele CA2697554927.